The following is an entry in ClinVar:

ClinVar aggregate classification (germline): Pathogenic (1 of 4 stars; one submission).

Allele frequency attached by ClinVar (database versions not stated): gnomAD exomes below 0.00001.
gnomAD v4.1: 4 of 1,612,136 alleles (0.00025%); highest among the groups gnomAD compares: Non-Finnish European, 0.00034%; no homozygotes.

Submission:

Labcorp Genetics (formerly Invitae), Labcorp
Classification: Pathogenic. Last evaluated: 2017-08-10. Review status: criteria provided, single submitter. Criteria: Invitae Variant Classification Sherloc (09022015). Collection method: clinical testing. Allele origin: germline.
Comment: This sequence change creates a premature translational stop signal (p.Glu104*) in the APRT gene. It is expected to result in an absent or disrupted protein product. This variant is not present in population databases (ExAC no frequency). This variant has not been reported in the literature in individuals with APRT-related disease. Loss-of-function variants in APRT are known to be pathogenic (PMID: 22934314). For these reasons, this variant has been classified as Pathogenic.

Literature cited by the submitters: PubMed 22934314.

NM_000485.3(APRT):c.310G>T (p.Glu104Ter)

Gene: APRT (adenine phosphoribosyltransferase; minus strand). Cytogenetic location: 16q24.3.
Variant type: single nucleotide variant.
Coding change: c.310G>T on transcript NM_000485.3 (MANE Select); coding-DNA position 310, G replaced by T.
Protein change: p.Glu104Ter; replaces glutamic acid 104 with a stop codon.
Molecular consequence: nonsense.
Genome position (GRCh38, 1-based): chr16:88,810,434, C>A on the plus strand (G>T on the coding strand, the complement: APRT is on the minus strand). VCF-style: chr16-88810434-C-A. GRCh37 (hg19) VCF-style: chr16-88876842-C-A.
Other names: c.310G>T, p.Glu104Ter (NM_001030018.2); short protein forms E104*.
Identifiers: ClinVar variation 1071729 (VCV001071729.7), dbSNP rs2142952273, ClinGen allele CA397088199.